The following is an entry in ClinVar:

ClinVar aggregate classification (germline): Uncertain significance (1 of 4 stars; one submission).

Allele frequency attached by ClinVar (database versions not stated): TOPMed below 0.00001.

Submission:

GeneDx
Classification: Uncertain significance. Last evaluated: 2021-11-24. Review status: criteria provided, single submitter. Criteria: GeneDx Variant Classification Process June 2021. Collection method: clinical testing. Allele origin: germline. Affected: yes.
Comment: Has not been previously published as pathogenic or benign to our knowledge

NM_006996.3(SLC19A2):c.316C>A (p.Leu106Ile)

Gene: SLC19A2 (solute carrier family 19 member 2; minus strand). Cytogenetic location: 1q24.2.
Variant type: single nucleotide variant.
Coding change: c.316C>A on transcript NM_006996.3 (MANE Select); coding-DNA position 316, C replaced by A.
Protein change: p.Leu106Ile; replaces leucine 106 with isoleucine.
Molecular consequence: missense variant. On other transcripts: intron variant (1).
Genome position (GRCh38, 1-based): chr1:169,477,646, G>T on the plus strand (C>A on the coding strand, the complement: SLC19A2 is on the minus strand). VCF-style: chr1-169477646-G-T. GRCh37 (hg19) VCF-style: chr1-169446884-G-T.
Other names: c.205-7460C>A (NM_001319667.1); short protein forms L106I.
Identifiers: ClinVar variation 1326801 (VCV001326801.2), dbSNP rs1658355721, ClinGen allele CA343110750.